The following is an entry in ClinVar:

ClinVar aggregate classification (germline): Conflicting classifications of pathogenicity. Review status: criteria provided, conflicting classifications (1 of 4 stars). 9 submissions from 7 submitters: Uncertain significance (3); Benign (1); Likely benign (5). Last evaluated 2025-09-15.

Conditions:
Osteogenesis imperfecta type I (OI1). Also called: OI, TYPE I; OSTEOGENESIS IMPERFECTA TARDA; OSTEOGENESIS IMPERFECTA WITH BLUE SCLERAE; Osteogenesis imperfecta type 1; Lobstein's Disease; Lobstein disease. Identifiers: Orphanet 216796, Orphanet 666, MedGen C0023931, MONDO:0008146, OMIM 166200. Disease mechanism: loss of function.
Cardiovascular phenotype. Identifiers: MedGen CN230736.
Ehlers-Danlos syndrome, arthrochalasia type. Also called: ARTHROCHALASIS MULTIPLEX CONGENITA; EDS VII, MUTANT PROCOLLAGEN TYPE; EDS VIIA; Ehlers-Danlos syndrome, arthrochalasis type; Ehlers-Danlos syndrome, arthrochalasia type, 1. Identifiers: Orphanet 1899, Orphanet 99875, Orphanet 99876, MedGen C4551623, MONDO:0007525, OMIM 130060.
Osteogenesis imperfecta (OI). Identifiers: Orphanet 666, MedGen C0029434, MeSH D010013, MONDO:0019019.
Infantile cortical hyperostosis. Also called: Caffey Disease; Hyperostosis, Cortical, Congenital; P1PK BLOOD GROUP SYSTEM, P(2) PHENOTYPE. Identifiers: Orphanet 1310, MedGen C0020497, MONDO:0007244, OMIM 114000.

Allele frequency attached by ClinVar (database versions not stated): gnomAD 0.00003 and 0.00004; gnomAD exomes 0.00006 and 0.00008; TOPMed 0.00006; ExAC 0.00008.
gnomAD v4.1: 111 of 1,613,994 alleles (0.0069%); highest among the groups gnomAD compares: South Asian, 0.011%; no homozygotes.

Submissions (9):

Mayo Clinic Laboratories, Mayo Clinic
Classification: Likely benign. Last evaluated: 2025-09-15. Review status: criteria provided, single submitter. Criteria: ACMG Guidelines, 2015. Collection method: clinical testing. Allele origin: germline. Observed: 3 variant alleles.
Comment: BS1, BP2, PP3

Women's Health and Genetics/Laboratory Corporation of America, LabCorp
Classification: Likely benign. Last evaluated: 2025-06-19. Review status: criteria provided, single submitter. Criteria: LabCorp Variant Classification Summary - May 2015. Collection method: clinical testing. Allele origin: germline.
Comment: Variant summary: COL1A1 c.3278G>A (p.Arg1093His) results in a non-conservative amino acid change in the encoded protein sequence. Algorithms developed to predict the effect of missense changes on protein structure and function all suggest that this variant is likely to be disruptive. The variant allele was found at a frequency of 5.6e-05 in 249916 control chromosomes. The observed variant frequency is approximately 1.9 fold of the estimated maximal expected allele frequency for a pathogenic variant in COL1A1 causing Osteogenesis imperfecta type I phenotype (3e-05), suggesting the variant may be benign. c.3278G>A has also been observed in individuals affected with Thoracic aortic aneurysm/aortic dissection or early bicuspid aortic valve disease, all without strong evidence for causality (e.g. Weerakkody_2018, Mansoorshahi_2024). These reports do not provide unequivocal conclusions about association of the variant with Osteogenesis imperfecta type I. To our knowledge, no experimental evidence demonstrating an impact on protein function has been reported. The following publications have been ascertained in the context of this evaluation (PMID: 39226896, 27549894, 29543232). ClinVar contains an entry for this variant (Variation ID: 702403). Based on the evidence outlined above, the variant was classified as likely benign.

Labcorp Genetics (formerly Invitae), Labcorp
Classification: Benign for Osteogenesis imperfecta type I. Last evaluated: 2024-06-15. Review status: criteria provided, single submitter. Criteria: Invitae Variant Classification Sherloc (09022015). Collection method: clinical testing. Allele origin: germline.

GeneDx
Classification: Uncertain significance. Last evaluated: 2024-04-11. Review status: criteria provided, single submitter. Criteria: GeneDx Variant Classification Process June 2021. Collection method: clinical testing. Allele origin: germline. Affected: yes.
Comment: Occurs in the triple helical domain at the Y position in the canonical Gly-X-Y repeat; although this variant may have an effect on normal protein folding and function, missense substitution at the Y position is not a common mechanism of disease (HGMD); In silico analysis supports that this missense variant has a deleterious effect on protein structure/function; This variant is associated with the following publications: (PMID: 31429852, 27549894, 29543232)

Ambry Genetics
Classification: Likely benign for Cardiovascular phenotype. Last evaluated: 2022-08-17. Review status: criteria provided, single submitter. Criteria: Ambry Variant Classification Scheme 2023. Collection method: clinical testing. Allele origin: germline.

Athena Diagnostics
Classification: Uncertain significance. Last evaluated: 2020-01-22. Review status: criteria provided, single submitter. Criteria: Athena Diagnostics Criteria. Collection method: clinical testing. Allele origin: unknown.

Illumina Laboratory Services, Illumina
Classification: Uncertain significance for Infantile cortical hyperostosis. Last evaluated: 2017-04-27. Review status: criteria provided, single submitter. Criteria: ICSL Variant Classification Criteria 13 December 2019. Collection method: clinical testing. Allele origin: germline.

Illumina Laboratory Services, Illumina
Classification: Likely benign for Osteogenesis imperfecta. Last evaluated: 2017-04-27. Review status: criteria provided, single submitter. Criteria: ICSL Variant Classification Criteria 13 December 2019. Collection method: clinical testing. Allele origin: germline.
Comment: This variant was observed as part of a predisposition screen in an ostensibly healthy population. A literature search was performed for the gene, cDNA change, and amino acid change (where applicable). No publications were found based on this search. Allele frequency data from public databases allowed determination this variant is unlikely to cause disease. Therefore, this variant is classified as likely benign.

Illumina Laboratory Services, Illumina
Classification: Likely benign for Ehlers-Danlos syndrome, arthrochalasia type. Last evaluated: 2017-04-27. Review status: criteria provided, single submitter. Criteria: ICSL Variant Classification Criteria 13 December 2019. Collection method: clinical testing. Allele origin: germline.
Comment: the same text as in the submission from Illumina Laboratory Services, Illumina above.

Literature cited by the submitters: PubMed 27549894 (cited by 4 submitters); PubMed 29543232 (cited by 3 submitters); PubMed 39226896 (cited by Mayo Clinic Laboratories, Mayo Clinic and Women's Health and Genetics/Laboratory Corporation of America, LabCorp); PubMed 33110269 (cited by Ambry Genetics).

NM_000088.4(COL1A1):c.3278G>A (p.Arg1093His)

Gene: COL1A1 (collagen type I alpha 1 chain; minus strand). Cytogenetic location: 17q21.33.
Variant type: single nucleotide variant.
Coding change: c.3278G>A on transcript NM_000088.4 (MANE Select); coding-DNA position 3278, G replaced by A.
Protein change: p.Arg1093His; replaces arginine 1093 with histidine.
Molecular consequence: missense variant.
Genome position (GRCh38, 1-based): chr17:50,187,967, C>T on the plus strand (G>A on the coding strand, the complement: COL1A1 is on the minus strand). VCF-style: chr17-50187967-C-T. GRCh37 (hg19) VCF-style: chr17-48265328-C-T.
Other names: p.Arg1093His; short protein forms R1093H.
Identifiers: ClinVar variation 702403 (VCV000702403.21), dbSNP rs781491172, ClinGen allele CA8644486.